The following is an entry in ClinVar:

ClinVar aggregate classification (germline): Uncertain significance. Review status: criteria provided, multiple submitters, no conflicts (2 of 4 stars). 2 submissions from 2 submitters: Uncertain significance (2). Last evaluated 2024-12-31.

gnomAD v4.1: 8 of 1,614,092 alleles (0.0005%); highest among the groups gnomAD compares: East Asian, 0.013%; no homozygotes.

Submissions (2):

Labcorp Genetics (formerly Invitae), Labcorp
Classification: Uncertain significance. Last evaluated: 2024-12-31. Review status: criteria provided, single submitter. Criteria: Invitae Variant Classification Sherloc (09022015). Collection method: clinical testing. Allele origin: germline.
Comment: This sequence change replaces lysine, which is basic and polar, with glutamic acid, which is acidic and polar, at codon 1370 of the RP1 protein (p.Lys1370Glu). This variant is present in population databases (rs186594858, gnomAD 0.03%). This missense change has been observed in individual(s) with autosomal dominant retinitis pigmentosa (PMID: 20664799). An algorithm developed to predict the effect of missense changes on protein structure and function outputs the following: PolyPhen-2: "Benign". The glutamic acid amino acid residue is found in multiple mammalian species, which suggests that this missense change does not adversely affect protein function. This variant disrupts the p.Lys1370 amino acid residue in RP1. Other variant(s) that disrupt this residue have been observed in individuals with RP1-related conditions (internal data), which suggests that this may be a clinically significant amino acid residue. In summary, the available evidence is currently insufficient to determine the role of this variant in disease. Therefore, it has been classified as a Variant of Uncertain Significance.

Blueprint Genetics
Classification: Uncertain significance. Last evaluated: 2022-06-07. Review status: criteria provided, single submitter. Criteria: ACMG Guidelines, 2015. Collection method: clinical testing. Allele origin: germline.

Literature cited by the submitters: PubMed 20664799 (cited by Labcorp Genetics (formerly Invitae), Labcorp).

NM_006269.2(RP1):c.4108A>G (p.Lys1370Glu)

Gene: RP1 (RP1 axonemal microtubule associated; plus strand). Cytogenetic location: 8q12.1.
Variant type: single nucleotide variant.
Coding change: c.4108A>G on transcript NM_006269.2 (MANE Select); coding-DNA position 4108, A replaced by G.
Protein change: p.Lys1370Glu; replaces lysine 1370 with glutamic acid.
Molecular consequence: missense variant. On other transcripts: intron variant (1).
Genome position (GRCh38, 1-based): chr8:54,627,990, A>G. VCF-style: chr8-54627990-A-G. GRCh37 (hg19) VCF-style: chr8-55540550-A-G.
Other names: c.787+5702A>G (NM_001375654.1); short protein forms K1370E.
Identifiers: ClinVar variation 3720826 (VCV003720826.3).
Genomic context (GRCh38, chr8:54,627,990, plus strand): 5'-AACACATATACTGATAACTTGGATTCAACTGAAGAGTTAGAAAGAGGTGATGACATTCAG[A>G]AAGATCTAAATATTTTGACAGACCCTGAATATAAAAATGGATTTAATACATTGGTGTCAC-3'
Protein context (NP_006260.1, residues 1360-1380): EELERGDDIQ[Lys1370Glu]DLNILTDPEY